The following is an entry in ClinVar:

NM_001369268.1(ACAN):c.2686T>A (p.Ser896Thr)

Gene: ACAN (aggrecan; plus strand). Cytogenetic location: 15q26.1.
Variant type: single nucleotide variant.
Coding change: c.2686T>A on transcript NM_001369268.1 (MANE Select); coding-DNA position 2686, T replaced by A.
Protein change: p.Ser896Thr; replaces serine 896 with threonine.
Molecular consequence: missense variant.
Genome position (GRCh38, 1-based): chr15:88,855,271, T>A. VCF-style: chr15-88855271-T-A. GRCh37 (hg19) VCF-style: chr15-89398502-T-A.
Other names: c.2686T>A, p.Ser896Thr (NM_001135.4, NM_001411096.1, NM_001411097.1 and 1 more transcripts); short protein forms S896T.
Identifiers: ClinVar variation 3366541 (VCV003366541.1).
Genomic context (GRCh38, chr15:88,855,271, plus strand): 5'-GTTTCAGGACACCTTGACTTCAGTGGGCAGCTGTCAGGGGACAGGGCAAGTGGACTGCCC[T>A]CTGGAGACCTGGACTCCAGTGGTCTTACTTCCACAGTGGGCTCAGGCCTGCCTGTGGAAA-3'
Protein context (NP_001356197.1, residues 886-906): LSGDRASGLP[Ser896Thr]GDLDSSGLTS

ClinVar aggregate classification (germline): Uncertain significance (1 of 4 stars; one submission).

gnomAD v4.1: 31 of 1,610,160 alleles (0.0019%); highest among the groups gnomAD compares: Non-Finnish European, 0.0026%; no homozygotes.

Submission:

Women's Health and Genetics/Laboratory Corporation of America, LabCorp
Classification: Uncertain significance. Last evaluated: 2024-08-02. Review status: criteria provided, single submitter. Criteria: LabCorp Variant Classification Summary - May 2015. Collection method: clinical testing. Allele origin: germline.
Comment: Variant summary: ACAN c.2686T>A (p.Ser896Thr) results in a conservative amino acid change in the encoded protein sequence. Three of five in-silico tools predict a benign effect of the variant on protein function. The variant was absent in 248526 control chromosomes (gnomAD). The available data on variant occurrences in the general population are insufficient to allow any conclusion about variant significance. To our knowledge, no occurrence of c.2686T>A in individuals affected with ACAN-Related Disorders and no experimental evidence demonstrating its impact on protein function have been reported. No submitters have cited clinical-significance assessments for this variant to ClinVar. Based on the evidence outlined above, the variant was classified as uncertain significance.